The following is an entry in ClinVar:

NM_000057.4(BLM):c.4247T>G (p.Phe1416Cys)

Gene: BLM (BLM RecQ like helicase; plus strand). Cytogenetic location: 15q26.1.
Variant type: single nucleotide variant.
Coding change: c.4247T>G on transcript NM_000057.4 (MANE Select); coding-DNA position 4247, T replaced by G.
Protein change: p.Phe1416Cys; replaces phenylalanine 1416 with cysteine.
Molecular consequence: missense variant.
Genome position (GRCh38, 1-based): chr15:90,815,272, T>G. VCF-style: chr15-90815272-T-G. GRCh37 (hg19) VCF-style: chr15-91358502-T-G.
Other names: c.4247T>G, p.Phe1416Cys (NM_001287246.2); c.3854T>G, p.Phe1285Cys (NM_001287247.2); c.3122T>G, p.Phe1041Cys (NM_001287248.2); short protein forms F1416C, F1041C, F1285C.
Identifiers: ClinVar variation 3261055 (VCV003261055.1).
Genomic context (GRCh38, chr15:90,815,272, plus strand): 5'-TGGGGATTATGGCTCCACCGAAGCCTATAAATAGACCGTTTCTTAAGCCTTCATATGCAT[T>G]CTCATAACAACCGAATCTCAATGTACATAGACCCTCTTTCTTGTTTGTCAGCATCTGACC-3'
Protein context (NP_000048.1, residues 1406-1417): NRPFLKPSYA[Phe1416Cys]S

ClinVar aggregate classification (germline): Uncertain significance (1 of 4 stars; one submission).

Conditions:
Hereditary cancer-predisposing syndrome. Also called: Hereditary Cancer Syndrome; Tumor predisposition; Hereditary neoplastic syndrome; Neoplastic Syndromes, Hereditary. Identifiers: Orphanet 140162, MedGen C0027672, MeSH D009386, MONDO:0015356.

Submission:

Ambry Genetics
Classification: Uncertain significance for Hereditary cancer-predisposing syndrome. Last evaluated: 2024-06-16. Review status: criteria provided, single submitter. Criteria: Ambry Variant Classification Scheme 2023. Collection method: clinical testing. Allele origin: germline.
Comment: The p.F1416C variant (also known as c.4247T>G), located in coding exon 21 of the BLM gene, results from a T to G substitution at nucleotide position 4247. The phenylalanine at codon 1416 is replaced by cysteine, an amino acid with highly dissimilar properties. This amino acid position is conserved. In addition, this alteration is predicted to be tolerated by in silico analysis. Based on the available evidence, the clinical significance of this variant remains unclear.